The following continues an entry in ClinVar:

NM_007194.4(CHEK2):c.320-5T>A

Gene: CHEK2. ClinVar aggregate classification (germline): Conflicting classifications of pathogenicity. Uncertain significance (3); Benign (3); Likely benign (12).

Submissions 15 to 24 of 24:

Women's Health and Genetics/Laboratory Corporation of America, LabCorp
Classification: Benign. Last evaluated: 2019-04-11. Review status: criteria provided, single submitter. Criteria: LabCorp Variant Classification Summary - May 2015. Collection method: clinical testing. Allele origin: germline.
Comment: Variant summary: CHEK2 c.320-5T>A alters a conserved nucleotide located close to a canonical splice site and therefore could affect mRNA splicing, leading to a significantly altered protein sequence. 5/5 computational tools predict the variant slightly weakens a 3 acceptor site. An in silico analysis also predicted the variant to result in a reduced splicing efficiency that could activate pre-existing cryptic acceptor 92 nucleotide upstream of the natural site, leading to the inclusion of 92 nucleotide of the intron. However this effect was predicted to be partial, with the variant mRNA relatively less abundant compared to the wild type (Mucaki 2016). Two publications reported experimental evidence evaluating splicing impact: one identified an in frame transcript variant lacking exon 3 and 4, however, the amount of the shortened transcript compared to wild type was less than 20%, suggesting that this variant reduces but does not eliminate the usage of the consensus splice acceptor and can therefore be regarded as a hypomorphic allele (Kraus 2017); whereas the other study reported splice analysis from 2 patients showing no significant change in RNA splicing, however without providing experimental evidence (Tsai 2018). The variant allele was found at a frequency of 0.00053 in 288862 control chromosomes (gnomAD and publication data), including 1 homozygote. The observed variant frequency is approximately 1.7 fold of the estimated maximal expected allele frequency for a pathogenic variant in CHEK2 causing Breast Cancer phenotype (0.00031), strongly suggesting that the variant is benign. In addition, this variant has been reported in 10/9884 American women who are older than age 70 and cancer free (FLOSSIES database). c.320-5T>A has been reported in the literature in individuals affected with various tumor phenotypes, including breast-/ovarian-, colorectal- and pancreas cancer, non-Hodgkin lymphoma and Lynch syndrome (Kleibl 2008, Kleibl 2009, Mohelnikova-Duchonova 2010, Havranek 2015, Castera 2014, Tung 2015, Yurgelun 2015, Kraus 2017, Decker 2017, Bonache 2018, Hampel 2018). These reports however do not provide unequivocal conclusions about association of the variant with Breast Cancer. In addition, in two of these patients co-occurrences with other pathogenic variants have been reported (CHEK2 exon 2 deletion, Tung 2015; MLH1 c.1381A>T/K461X, Hampel 2018), providing supporting evidence for a benign role. Though one case-control study suggested that the variant might be associated with breast cancer, the carrier frequency in healthy controls recruited in this study was much lower than observed in population datasets, therefore this postulation might be the result of sampling error (Decker 2017). Nine other clinical diagnostic laboratories have submitted clinical-significance assessments for this variant to ClinVar after 2014 without evidence for independent evaluation. Multiple laboratories reported the variant with conflicting assessments (6 calling it a VUS, 2 classifying as likely benign, and 1 as benign). Based on the evidence outlined above, the variant was classified as benign.

Ambry Genetics
Classification: Likely benign for Hereditary cancer-predisposing syndrome. Last evaluated: 2018-11-08. Review status: criteria provided, single submitter. Criteria: Ambry Variant Classification Scheme 2023. Collection method: clinical testing. Allele origin: germline.

University of Washington Department of Laboratory Medicine, University of Washington
Classification: Likely benign for Hereditary Breast Carcinoma. Last evaluated: 2018-03-28. Review status: criteria provided, single submitter. Criteria: Tsai GJ et al. (Genet Med 2018). Collection method: research. Allele origin: germline. Inheritance: Autosomal dominant inheritance. Affected: no.
Comment: The CHEK2 variant designated as NM_007194.3:c.320-5T>A is classified as likely benign. Cosegregation analysis of one observed family was performed using an online resource (RaÃ±ola et al, 2018, PMID:28965303) and shows a likelihood ratio of 1.38 to 1 (Thompson, et al., 2003, PMID:12900794). This likelihood ratio indicates weak evidence that the allele co-segregates disease in this family. However, RNA studies in two individuals unrelated from different families show no significant change in RNA splicing or protein transcripts, thus providing strong evidence that this variant does not alter the CHEK2 protein. This variant has been classified as likely benign by other laboratories (ClinVar Variation ID: 128070). Bayesian analysis integrating all of this data (Tavtigian et al, 2018, PMID:29300386) gives less than 1% probability of pathogenicity, which is consistent with a classification of likely benign. This variant is not predicted to alter CHEK2 function or modify cancer risk. This reclassification analysis was performed in conjunction with the family studies project as part of the University of Washington Find My Variant Study.

Color Diagnostics, LLC DBA Color Health
Classification: Likely benign for Hereditary cancer-predisposing syndrome. Last evaluated: 2016-05-13. Review status: criteria provided, single submitter. Criteria: ACMG Guidelines, 2015. Collection method: clinical testing. Allele origin: germline.

Institute for Biomarker Research, Medical Diagnostic Laboratories, L.L.C.
Classification: Benign for Hereditary cancer-predisposing syndrome. Last evaluated: 2021-09-27. Review status: no assertion criteria provided. Collection method: clinical testing. Allele origin: germline. Not counted in ClinVar's aggregate classification.

King Laboratory, University of Washington
Classification: Pathogenic for Familial cancer of breast; Li-Fraumeni syndrome 2. Last evaluated: 2019-09-01. Review status: no assertion criteria provided. Collection method: research. Allele origin: germline. Affected: yes. Not counted in ClinVar's aggregate classification.
Comment: Transcript analysis by cBROCA

Counsyl
Classification: Uncertain significance for Familial cancer of breast. Last evaluated: 2018-04-26. Review status: no assertion criteria provided. Collection method: clinical testing. Allele origin: unknown. Not counted in ClinVar's aggregate classification.

Department of Pathology and Laboratory Medicine, Sinai Health System
Classification: Likely benign. Review status: no assertion criteria provided. Collection method: clinical testing. Allele origin: unknown. Affected: yes. Study: The Canadian Open Genetics Repository (COGR). Not counted in ClinVar's aggregate classification.
Comment: The CHEK2 c.320-5T>A variant was identified in 40 of 33888 proband chromosomes (frequency: 0.001) from individuals or families with breast, ovarian, pancreatic, and colon cancer, as well as non-Hodkin lymphoma and the variant was present in 1 of 10976 control chromosomes (frequency: 0.00009) from healthy individuals (Decker 2017, Havranek 2015, Mucaki 2016, Yurgelun 2015, Kraus 2017, Kleibl 2008, Kleibl 2009, Mohelnikova-Duchonova 2010). The variant was also identified in dbSNP (ID: rs121980700) as â€šÃ„ÃºWith uncertain significanceâ€šÃ„Ã¹. The variant was also identified in ClinVar (as benign by Invitae, likely benign by University of Washington, LabCorp, and Ambry and uncertain significance by Quest, ARUP and Gene Dx). The variant was not identified in Cosmic, MutDB or Zhejiang University databases. The variant was identified in control databases in 151 of 276520 chromosomes (1 homozygous) at a frequency of 0.0005 (Genome Aggregation Database Feb 27, 2017). It was observed in the following populations: â€šÃ„ÃºOtherâ€šÃ„Ã¹ in 6 of 6458 chromosomes (freq: 0.009), Latino in 33 of 34412 chromosomes (freq: 0.001), European Non-Finnish in 71 of 126074 chromosomes (freq: 0.0006), Ashkenazi Jewish in 40 of 10146 chromosomes (freq: 0.004), and South Asian in 1 of 30776 chromosomes (freq: 0.00003). The variant was not observed in the African, East Asian, or Finnish populations. The c.320-5T>A variant is located in the 3' splice region but does not affect the invariant -1 and -2 positions. However, positions -3 and -5 to -12 are part of the splicing consensus sequence and variants involving these positions sometimes affect splicing. Reverse transcription PCR analysis on blood from an individual with breast or ovarian cancer demonstrated that this variant leads to an in frame transcript lacking exon 3 and 4; however the shortened transcript was present at levels less than 20% that of the wild-type transcript suggesting that this variant does not abolish normal splicing (Kraus, 2017). However, 3 of 5 in silico or computational prediction software programs (SpliceSiteFinder, MaxEntScan, NNSPLICE, GeneSplicer, HumanSpliceFinder) predict a greater than 10% difference in splicing. In summary, based on the above information the clinical significance of this variant cannot be determined with certainty at this time although we would lean towards a more benign role for this variant. This variant is classified as likely benign.

Dr. Peter K. Rogan Lab, Western University
No classification provided (evidence only). Condition: Acute myeloid leukemia. Review status: no classification provided. Collection method: in vitro. Allele origin: not applicable. Functional consequence: retained intron. Not counted in ClinVar's aggregate classification.

Institute. of Biochemistry and Experimental Oncology, First Faculty of Medicine, Charles University in Prague
No classification provided. Review status: no classification provided. Collection method: not provided. Allele origin: germline. Not counted in ClinVar's aggregate classification.
Comment: Characterized in 1 out of 673 breast cancer patients, 1 out of 631 colorectal cancer patients, 1 out of 259 pancreatic cancer patients, 1 out of 340 Non Hodgkin lymphoma patients and in none of 683 non cancer controls

Literature cited by the submitters: PubMed 27616075 (cited by 5 submitters); PubMed 30374176 (cited by 4 submitters); PubMed 25085752 (cited by Myriad Genetics, Inc.); PubMed 20643596 (cited by 4 submitters); PubMed 26506619 (cited by 4 submitters); PubMed 32906215 (cited by Quest Diagnostics Nichols Institute San Juan Capistrano); PubMed 31843900 (cited by 3 submitters); PubMed 30306255 (cited by Quest Diagnostics Nichols Institute San Juan Capistrano); PubMed 18058223 (cited by 5 submitters); PubMed 18996005 (cited by 4 submitters); PubMed 21744992 (cited by Quest Diagnostics Nichols Institute San Juan Capistrano and Sema4); PubMed 24549055 (cited by 5 submitters); PubMed 25980754 (cited by 4 submitters); PubMed 27067391 (cited by 3 submitters); PubMed 29596542 (cited by Sema4 and Women's Health and Genetics/Laboratory Corporation of America, LabCorp); PubMed 25186627 (cited by 3 submitters); PubMed 26787654 (cited by Women's Health and Genetics/Laboratory Corporation of America, LabCorp); PubMed 27621404 (cited by Women's Health and Genetics/Laboratory Corporation of America, LabCorp); PubMed 28779002 (cited by Women's Health and Genetics/Laboratory Corporation of America, LabCorp and Ambry Genetics).